The following is an entry in ClinVar:

ClinVar aggregate classification (germline): Uncertain significance (1 of 4 stars; one submission).

Conditions:
Joubert syndrome. Also called: CEREBELLOPARENCHYMAL DISORDER IV; JOUBERT-BOLTSHAUSER SYNDROME; Familial aplasia of the vermis. Identifiers: Orphanet 475, MedGen C5979921, MONDO:0018772.
Meckel-Gruber syndrome. Also called: DYSENCEPHALIA SPLANCHNOCYSTICA; GRUBER SYNDROME; Dysencephalia splachnocystica. Identifiers: Orphanet 564, MedGen C0265215, MONDO:0018921.

Allele frequency attached by ClinVar (database versions not stated): gnomAD exomes below 0.00001; ExAC 0.00001; gnomAD 0.00001; TOPMed 0.00001.
gnomAD v4.1: 3 of 1,613,646 alleles (0.00019%); highest among the groups gnomAD compares: Non-Finnish European, 0.00025%; no homozygotes.

Submission:

Labcorp Genetics (formerly Invitae), Labcorp
Classification: Uncertain significance for Joubert syndrome; Meckel-Gruber syndrome. Last evaluated: 2025-03-17. Review status: criteria provided, single submitter. Criteria: Invitae Variant Classification Sherloc (09022015). Collection method: clinical testing. Allele origin: germline.
Comment: This sequence change replaces glutamine, which is neutral and polar, with arginine, which is basic and polar, at codon 31 of the MKS1 protein (p.Gln31Arg). This variant is present in population databases (rs767646864, gnomAD 0.0009%). This variant has not been reported in the literature in individuals affected with MKS1-related conditions. ClinVar contains an entry for this variant (Variation ID: 2060818). Invitae Evidence Modeling of protein sequence and biophysical properties (such as structural, functional, and spatial information, amino acid conservation, physicochemical variation, residue mobility, and thermodynamic stability) indicates that this missense variant is not expected to disrupt MKS1 protein function with a negative predictive value of 80%. In summary, the available evidence is currently insufficient to determine the role of this variant in disease. Therefore, it has been classified as a Variant of Uncertain Significance.

NM_017777.4(MKS1):c.92A>G (p.Gln31Arg)

Gene: MKS1 (MKS transition zone complex subunit 1; minus strand). Cytogenetic location: 17q22.
Variant type: single nucleotide variant.
Coding change: c.92A>G on transcript NM_017777.4 (MANE Select); coding-DNA position 92, A replaced by G.
Protein change: p.Gln31Arg; replaces glutamine 31 with arginine.
Molecular consequence: missense variant. On other transcripts: 5 prime UTR variant (1).
Genome position (GRCh38, 1-based): chr17:58,218,718, T>C on the plus strand (A>G on the coding strand, the complement: MKS1 is on the minus strand). VCF-style: chr17-58218718-T-C. GRCh37 (hg19) VCF-style: chr17-56296079-T-C.
Other names: c.-420A>G (NM_001321268.2); c.92A>G, p.Gln31Arg (NM_001321269.2, NM_001330397.2, NM_001411113.1); short protein forms Q31R.
Identifiers: ClinVar variation 2060818 (VCV002060818.2), dbSNP rs767646864, ClinGen allele CA8669643.
Genomic context (GRCh38, chr17:58,218,718, plus strand): 5'-AGGTCCTTCCCGAGCTCGGCAGCAGGCTGATAATGAAGAAAGTTGCTTGATGTGATTCTT[T>C]GCAGGTGGACTCTGTCAAGAAAAGCCCAAAATATTCGTTACCAGACACGCAACCAGGAGA-3'
Protein context (NP_060247.2, residues 21-41): VRNLRLRVHL[Gln31Arg]RITSSNFLHY